The following is an entry in ClinVar:

NM_006258.4(PRKG1):c.1290G>A (p.Gly430=)

Gene: PRKG1 (protein kinase cGMP-dependent 1; plus strand). Cytogenetic location: 10q21.1.
Variant type: single nucleotide variant.
Coding change: c.1290G>A on transcript NM_006258.4 (MANE Select); coding-DNA position 1290, G replaced by A.
Protein change: p.Gly430=; no amino-acid change (glycine 430 retained).
Molecular consequence: synonymous variant.
Genome position (GRCh38, 1-based): chr10:52,271,466, G>A. VCF-style: chr10-52271466-G-A. GRCh37 (hg19) VCF-style: chr10-54031226-G-A.
Other names: c.1245G>A, p.Gly415= (NM_001098512.3); c.81G>A, p.Gly27= (NM_001374781.1).
Identifiers: ClinVar variation 702542 (VCV000702542.15), dbSNP rs139494883, ClinGen allele CA5503801.

ClinVar aggregate classification (germline): Benign/Likely benign. Review status: criteria provided, multiple submitters, no conflicts (2 of 4 stars). 3 submissions from 3 submitters: Benign (1); Likely benign (1). 1 of the submissions does not count toward it. Last evaluated 2025-04-17.

Conditions:
PRKG1-related disorder. Also called: PRKG1-related condition.
Familial thoracic aortic aneurysm and aortic dissection (TAAD). Also called: Thoracic aortic aneurysms and dissections. Identifiers: Orphanet 91387, MedGen C4707243, MONDO:0019625.
Aortic aneurysm, familial thoracic 8 (AAT8). Identifiers: MedGen C3809513, MONDO:0014187, OMIM 615436.

Allele frequency attached by ClinVar (database versions not stated): gnomAD exomes 0.00003 and 0.00005; ExAC 0.00011; ESP Exome Variant Server 0.00015; gnomAD 0.00019 and 0.00021; TOPMed 0.00023; 1000 Genomes Project 0.00040; 1000 Genomes Project 30x 0.00047.
gnomAD v4.1: 72 of 1,612,600 alleles (0.0045%); highest among the groups gnomAD compares: African/African-American, 0.091%; no homozygotes.

Submissions (3):

Labcorp Genetics (formerly Invitae), Labcorp
Classification: Benign for Aortic aneurysm, familial thoracic 8. Last evaluated: 2025-04-17. Review status: criteria provided, single submitter. Criteria: Invitae Variant Classification Sherloc (09022015). Collection method: clinical testing. Allele origin: germline.

Ambry Genetics
Classification: Likely benign for Familial thoracic aortic aneurysm and aortic dissection. Last evaluated: 2022-06-22. Review status: criteria provided, single submitter. Criteria: Ambry Variant Classification Scheme 2023. Collection method: clinical testing. Allele origin: germline.

PreventionGenetics, part of Exact Sciences
Classification: Likely benign for PRKG1-related condition. Last evaluated: 2020-10-27. Review status: no assertion criteria provided. Collection method: clinical testing. Allele origin: germline. Not counted in ClinVar's aggregate classification.
Comment: This variant is classified as likely benign based on ACMG/AMP sequence variant interpretation guidelines (Richards et al. 2015 PMID: 25741868, with internal and published modifications).